The following is an entry in ClinVar:

NM_001171613.2(PREPL):c.1033G>A (p.Glu345Lys)

Gene: PREPL (prolyl endopeptidase like; minus strand). Cytogenetic location: 2p21.
Variant type: single nucleotide variant.
Coding change: c.1033G>A on transcript NM_001171613.2 (MANE Select); coding-DNA position 1033, G replaced by A.
Protein change: p.Glu345Lys; replaces glutamic acid 345 with lysine.
Molecular consequence: missense variant. On other transcripts: intron variant (1).
Genome position (GRCh38, 1-based): chr2:44,332,512, C>T on the plus strand (G>A on the coding strand, the complement: PREPL is on the minus strand). VCF-style: chr2-44332512-C-T. GRCh37 (hg19) VCF-style: chr2-44559651-C-T.
Other names: c.1114G>A, p.Glu372Lys (NM_001042385.2); c.1300G>A, p.Glu434Lys (NM_001171603.1, NM_001171606.2, NM_001374275.1 and 2 more transcripts); c.1033G>A, p.Glu345Lys (NM_001171617.1, NM_001374277.1); c.1156-3400G>A (NM_001042386.2); short protein forms E345K, E372K, E434K.
Identifiers: ClinVar variation 1962846 (VCV001962846.5), dbSNP rs764447835, ClinGen allele CA1641271.

ClinVar aggregate classification (germline): Uncertain significance (1 of 4 stars; one submission).

Conditions:
Myasthenic syndrome, congenital, 22 (CMS22). Also called: PREPL DEFICIENCY. Identifiers: MedGen C4479088, MONDO:0044299, OMIM 616224.

Allele frequency attached by ClinVar (database versions not stated): ExAC 0.00001; gnomAD exomes below 0.00001.
gnomAD v4.1: 1 of 1,614,158 alleles (0.000062%); highest among the groups gnomAD compares: East Asian, 0.0022%; no homozygotes.

Submission:

Labcorp Genetics (formerly Invitae), Labcorp
Classification: Uncertain significance for Myasthenic syndrome, congenital, 22. Last evaluated: 2025-04-17. Review status: criteria provided, single submitter. Criteria: Invitae Variant Classification Sherloc (09022015). Collection method: clinical testing. Allele origin: germline.
Comment: This sequence change replaces glutamic acid, which is acidic and polar, with lysine, which is basic and polar, at codon 434 of the PREPL protein (p.Glu434Lys). This variant is present in population databases (rs764447835, gnomAD 0.006%). This variant has not been reported in the literature in individuals affected with PREPL-related conditions. ClinVar contains an entry for this variant (Variation ID: 1962846). Invitae Evidence Modeling of protein sequence and biophysical properties (such as structural, functional, and spatial information, amino acid conservation, physicochemical variation, residue mobility, and thermodynamic stability) indicates that this missense variant is not expected to disrupt PREPL protein function with a negative predictive value of 80%. In summary, the available evidence is currently insufficient to determine the role of this variant in disease. Therefore, it has been classified as a Variant of Uncertain Significance.